The following is an entry in ClinVar:

ClinVar aggregate classification (germline): Uncertain significance (1 of 4 stars; one submission).

gnomAD v4.1: 9 of 1,612,192 alleles (0.00056%); highest among the groups gnomAD compares: South Asian, 0.0044%; no homozygotes.

Submission:

GeneDx
Classification: Uncertain significance. Last evaluated: 2024-11-25. Review status: criteria provided, single submitter. Criteria: GeneDx Variant Classification Process June 2021. Collection method: clinical testing. Allele origin: germline. Affected: yes.
Comment: In silico analysis indicates that this missense variant does not alter protein structure/function; Has not been previously published as pathogenic or benign to our knowledge

NM_022356.4(P3H1):c.1717G>A (p.Glu573Lys)

Gene: P3H1 (prolyl 3-hydroxylase 1; minus strand). Cytogenetic location: 1p34.2.
Variant type: single nucleotide variant.
Coding change: c.1717G>A on transcript NM_022356.4 (MANE Select); coding-DNA position 1717, G replaced by A.
Protein change: p.Glu573Lys; replaces glutamic acid 573 with lysine.
Molecular consequence: missense variant.
Genome position (GRCh38, 1-based): chr1:42,750,189, C>T on the plus strand (G>A on the coding strand, the complement: P3H1 is on the minus strand). VCF-style: chr1-42750189-C-T. GRCh37 (hg19) VCF-style: chr1-43215860-C-T.
Other names: c.1717G>A, p.Glu573Lys (NM_001146289.2, NM_001243246.2); short protein forms E573K.
Identifiers: ClinVar variation 3900482 (VCV003900482.1).